The following is an entry in ClinVar:

ClinVar aggregate classification (germline): Uncertain significance (1 of 4 stars; one submission).

gnomAD v4.1: 1 of 1,586,508 alleles (0.000063%); highest among the groups gnomAD compares: South Asian, 0.0011%; no homozygotes.

Submission:

Labcorp Genetics (formerly Invitae), Labcorp
Classification: Uncertain significance. Last evaluated: 2025-08-29. Review status: criteria provided, single submitter. Criteria: Invitae Variant Classification Sherloc (09022015). Collection method: clinical testing. Allele origin: germline.
Comment: This sequence change replaces glutamic acid, which is acidic and polar, with valine, which is neutral and non-polar, at codon 34 of the NTHL1 protein (p.Glu34Val). The frequency data for this variant in the population databases is considered unreliable, as metrics indicate poor data quality at this position in the gnomAD database. This variant has not been reported in the literature in individuals affected with NTHL1-related conditions. An algorithm developed to predict the effect of missense changes on protein structure and function (PolyPhen-2) suggests that this variant is likely to be disruptive. In summary, the available evidence is currently insufficient to determine the role of this variant in disease. Therefore, it has been classified as a Variant of Uncertain Significance.

NM_002528.7(NTHL1):c.77A>T (p.Glu26Val)

Gene: NTHL1 (nth like DNA glycosylase 1; minus strand). Cytogenetic location: 16p13.3.
Variant type: single nucleotide variant.
Coding change: c.77A>T on transcript NM_002528.7 (MANE Select); coding-DNA position 77, A replaced by T.
Protein change: p.Glu26Val; replaces glutamic acid 26 with valine.
Molecular consequence: missense variant. On other transcripts: 5 prime UTR variant (1).
Genome position (GRCh38, 1-based): chr16:2,047,747, T>A on the plus strand (A>T on the coding strand, the complement: NTHL1 is on the minus strand). VCF-style: chr16-2047747-T-A. GRCh37 (hg19) VCF-style: chr16-2097748-T-A.
Other names: c.77A>T, p.Glu26Val (NM_001318193.2); c.-102A>T (NM_001318194.2); short protein forms E26V.
Identifiers: ClinVar variation 4703541 (VCV004703541.1).